The following is an entry in ClinVar:

ClinVar aggregate classification (germline): Conflicting classifications of pathogenicity. Review status: criteria provided, conflicting classifications (1 of 4 stars). 2 submissions from 2 submitters: Uncertain significance (1); Likely benign (1). Last evaluated 2026-07-01.

Conditions:
Hereditary cancer-predisposing syndrome. Also called: Hereditary Cancer Syndrome; Neoplastic Syndromes, Hereditary; Hereditary neoplastic syndrome; Tumor predisposition. Identifiers: Orphanet 140162, MedGen C0027672, MeSH D009386, MONDO:0015356.
Hereditary diffuse gastric adenocarcinoma (HDGC). Also called: DIFFUSE GASTRIC AND LOBULAR BREAST CANCER SYNDROME. Identifiers: Orphanet 26106, MedGen C1708349, MONDO:0007648, OMIM 137215.

Submissions (2):

Ambry Genetics
Classification: Likely benign for Hereditary cancer-predisposing syndrome. Last evaluated: 2026-07-01. Review status: criteria provided, single submitter. Criteria: Ambry Variant Classification Scheme 2023. Collection method: clinical testing. Allele origin: germline.

Labcorp Genetics (formerly Invitae), Labcorp
Classification: Uncertain significance for Hereditary diffuse gastric adenocarcinoma. Last evaluated: 2021-11-24. Review status: criteria provided, single submitter. Criteria: Invitae Variant Classification Sherloc (09022015). Collection method: clinical testing. Allele origin: germline.
Comment: Algorithms developed to predict the effect of missense changes on protein structure and function (SIFT, PolyPhen-2, Align-GVGD) all suggest that this variant is likely to be tolerated. This variant has not been reported in the literature in individuals affected with CDH1-related conditions. This variant is not present in population databases (gnomAD no frequency). This sequence change replaces arginine, which is basic and polar, with serine, which is neutral and polar, at codon 6 of the CDH1 protein (p.Arg6Ser). In summary, the available evidence is currently insufficient to determine the role of this variant in disease. Therefore, it has been classified as a Variant of Uncertain Significance.

NM_004360.5(CDH1):c.16C>A (p.Arg6Ser)

Gene: CDH1 (cadherin 1; plus strand). Cytogenetic location: 16q22.1.
Variant type: single nucleotide variant.
Coding change: c.16C>A on transcript NM_004360.5 (MANE Select); coding-DNA position 16, C replaced by A.
Protein change: p.Arg6Ser; replaces arginine 6 with serine.
Molecular consequence: missense variant. On other transcripts: 5 prime UTR variant (2).
Genome position (GRCh38, 1-based): chr16:68,737,431, C>A. VCF-style: chr16-68737431-C-A. GRCh37 (hg19) VCF-style: chr16-68771334-C-A.
Other names: c.16C>A, p.Arg6Ser (NM_001317184.2); c.-1600C>A (NM_001317185.2); c.-1804C>A (NM_001317186.2); c.16C>A (NM_004360.3); short protein forms R6S.
Identifiers: ClinVar variation 1349815 (VCV001349815.8), dbSNP rs2152113958, ClinGen allele CA396451279.
Genomic context (GRCh38, chr16:68,737,431, plus strand): 5'-CGACCGCACCCGGCGCCTGCCCTCGCTCGGCGTCCCCGGCCAGCCATGGGCCCTTGGAGC[C>A]GCAGCCTCTCGGCGCTGCTGCTGCTGCTGCAGGTACCCCGGATCCCCTGACTTGCGAGGG-3'
Protein context (NP_004351.1, residues 1-16): MGPWS[Arg6Ser]SLSALLLLLQ